The following is an entry in ClinVar:

NM_052854.4(CREB3L1):c.420del (p.Leu141fs)

Gene: CREB3L1 (cAMP responsive element binding protein 3 like 1; plus strand). Cytogenetic location: 11p11.2.
Variant type: Deletion.
Coding change: c.420del on transcript NM_052854.4 (MANE Select); coding-DNA position 420, one base deleted (T; older notation c.420delT).
Protein change: p.Leu141fs; shifts the reading frame from leucine 141.
Molecular consequence: frameshift variant. On other transcripts: non-coding transcript variant (1), intron variant (1).
Genome position (GRCh38, 1-based): chr11:46,307,904, T deleted. VCF-style (leftmost placement, unchanged base first): chr11-46307903-CT-C. GRCh37 (hg19) VCF-style: chr11-46329454-CT-C.
Other names: c.420del, p.Leu141fs (NM_001425266.1); c.414del, p.Leu139fs (NM_001425267.1); c.282del, p.Leu95fs (NM_001425268.1); c.332-3128del (NM_001425269.1); short protein forms L141fs, L95fs, L139fs.
Identifiers: ClinVar variation 3695284 (VCV003695284.2).
Genomic context (GRCh38, chr11:46,307,903, plus strand): 5'-GACACAAACTGTGCTCCATCATGGTGAAGCAGGAGCAGAGCCCGGAGCTGCCCGTGGACC[CT>C]CTGGCTGCCCCCTCGGCCATGGCTGCCGCGGCCGCCATGGCCACCACCCCGCTGCTGGGC-3'

ClinVar aggregate classification (germline): Pathogenic (1 of 4 stars; one submission).

Submission:

Labcorp Genetics (formerly Invitae), Labcorp
Classification: Pathogenic. Last evaluated: 2025-04-29. Review status: criteria provided, single submitter. Criteria: Invitae Variant Classification Sherloc (09022015). Collection method: clinical testing. Allele origin: germline.
Comment: This sequence change creates a premature translational stop signal (p.Leu141Trpfs*37) in the CREB3L1 gene. It is expected to result in an absent or disrupted protein product. Loss-of-function variants in CREB3L1 are known to be pathogenic (PMID: 19767743, 29936144, 31207160). This variant is not present in population databases (gnomAD no frequency). This variant has not been reported in the literature in individuals affected with CREB3L1-related conditions. ClinVar contains an entry for this variant (Variation ID: 3695284). For these reasons, this variant has been classified as Pathogenic.

Literature cited by the submitters: PubMed 19767743; PubMed 29936144; PubMed 31207160.